The following is an entry in ClinVar:

NM_001010874.5(TECRL):c.224T>G (p.Ile75Ser)

Gene: TECRL (trans-2,3-enoyl-CoA reductase like; minus strand). Cytogenetic location: 4q13.1.
Variant type: single nucleotide variant.
Coding change: c.224T>G on transcript NM_001010874.5 (MANE Select); coding-DNA position 224, T replaced by G.
Protein change: p.Ile75Ser; replaces isoleucine 75 with serine.
Molecular consequence: missense variant.
Genome position (GRCh38, 1-based): chr4:64,409,128, A>C on the plus strand (T>G on the coding strand, the complement: TECRL is on the minus strand). VCF-style: chr4-64409128-A-C. GRCh37 (hg19) VCF-style: chr4-65274846-A-C.
Other names: c.224T>G, p.Ile75Ser (NM_001363796.1); short protein forms I75S.
Identifiers: ClinVar variation 4615086 (VCV004615086.1).

ClinVar aggregate classification (germline): Uncertain significance (1 of 4 stars; one submission).

Conditions:
Cardiovascular phenotype. Identifiers: MedGen CN230736.

Submission:

Ambry Genetics
Classification: Uncertain significance for Cardiovascular phenotype. Last evaluated: 2025-09-18. Review status: criteria provided, single submitter. Criteria: Ambry Variant Classification Scheme 2023. Collection method: clinical testing. Allele origin: germline.
Comment: The p.I75S variant (also known as c.224T>G), located in coding exon 1 of the TECRL gene, results from a T to G substitution at nucleotide position 224. The isoleucine at codon 75 is replaced by serine, an amino acid with dissimilar properties. This amino acid position is conserved. In addition, the in silico prediction for this alteration is inconclusive. Based on the available evidence, the clinical significance of this variant remains unclear.